The following is an entry in ClinVar:

ClinVar aggregate classification (germline): Uncertain significance. Review status: criteria provided, multiple submitters, no conflicts (2 of 4 stars). 4 submissions from 4 submitters: Uncertain significance (4). Last evaluated 2026-08-06.

Conditions:
Cardiovascular phenotype. Identifiers: MedGen CN230736.
Dilated cardiomyopathy 1JJ (CMD1JJ). Identifiers: Orphanet 154, MedGen C3808935, MONDO:0014095, OMIM 615235.
LAMA4-related disorder. Also called: LAMA4-related condition.

Allele frequency attached by ClinVar (database versions not stated): gnomAD 0.00001; gnomAD exomes 0.00001; TOPMed 0.00003.
gnomAD v4.1: 10 of 1,609,356 alleles (0.00062%); highest among the groups gnomAD compares: Admixed American, 0.0017%; no homozygotes.

Submissions (4):

OLLIN Analises Genomicas, OLLIN
Classification: Uncertain significance for Dilated cardiomyopathy 1JJ. Last evaluated: 2026-08-06. Review status: criteria provided, single submitter. Criteria: ACMG Guidelines 2015 PMID 25741868. Collection method: clinical testing. Allele origin: germline.
Comment: This missense variant, located in exon 30 (of 39), has been reported in ClinVar (accession VCV002068179.6) and in gnomAD with an allele frequency of 0.00062%. However, to our knowledge, it has not been reported in the scientific literature. In silico analysis predicts that this variant has a deleterious effect. This gene has high tolerance to missense variation. According to the currently available evidence, this variant has been classified as uncertain significance (PP3_M, BP1).

Ambry Genetics
Classification: Uncertain significance for Cardiovascular phenotype. Last evaluated: 2025-05-18. Review status: criteria provided, single submitter. Criteria: Ambry Variant Classification Scheme 2023. Collection method: clinical testing. Allele origin: germline.
Comment: The p.C1363F variant (also known as c.4088G>T), located in coding exon 29 of the LAMA4 gene, results from a G to T substitution at nucleotide position 4088. The cysteine at codon 1363 is replaced by phenylalanine, an amino acid with highly dissimilar properties. This amino acid position is conserved. In addition, this alteration is predicted to be deleterious by in silico analysis. Based on the available evidence, the clinical significance of this variant remains unclear.

PreventionGenetics, part of Exact Sciences
Classification: Uncertain significance for LAMA4-related condition. Last evaluated: 2024-11-08. Review status: criteria provided, single submitter. Criteria: ACMG Guidelines, 2015. Collection method: clinical testing. Allele origin: germline.
Comment: The LAMA4 c.4088G>T variant is predicted to result in the amino acid substitution p.Cys1363Phe. To our knowledge, this variant has not been reported in the literature. This variant is reported in 0.0029% of alleles in individuals of Latino descent in gnomAD. At this time, the clinical significance of this variant is uncertain due to the absence of conclusive functional and genetic evidence.

Labcorp Genetics (formerly Invitae), Labcorp
Classification: Uncertain significance for Dilated cardiomyopathy 1JJ. Last evaluated: 2024-03-19. Review status: criteria provided, single submitter. Criteria: Invitae Variant Classification Sherloc (09022015). Collection method: clinical testing. Allele origin: germline.
Comment: This sequence change replaces cysteine, which is neutral and slightly polar, with phenylalanine, which is neutral and non-polar, at codon 1363 of the LAMA4 protein (p.Cys1363Phe). This variant is present in population databases (no rsID available, gnomAD 0.003%). This variant has not been reported in the literature in individuals affected with LAMA4-related conditions. ClinVar contains an entry for this variant (Variation ID: 2068179). An algorithm developed to predict the effect of missense changes on protein structure and function (PolyPhen-2) suggests that this variant is likely to be disruptive. In summary, the available evidence is currently insufficient to determine the role of this variant in disease. Therefore, it has been classified as a Variant of Uncertain Significance.

NM_001105206.3(LAMA4):c.4109G>T (p.Cys1370Phe)

Gene: LAMA4 (laminin subunit alpha 4; minus strand). Cytogenetic location: 6q21.
Variant type: single nucleotide variant.
Coding change: c.4109G>T on transcript NM_001105206.3 (MANE Select); coding-DNA position 4109, G replaced by T.
Protein change: p.Cys1370Phe; replaces cysteine 1370 with phenylalanine.
Molecular consequence: missense variant.
Genome position (GRCh38, 1-based): chr6:112,129,900, C>A on the plus strand (G>T on the coding strand, the complement: LAMA4 is on the minus strand). VCF-style: chr6-112129900-C-A. GRCh37 (hg19) VCF-style: chr6-112451102-C-A.
Other names: c.4088G>T, p.Cys1363Phe (NM_001105207.3, NM_002290.5); c.4088G>T (NM_002290.4); short protein forms C1370F, C1363F.
Identifiers: ClinVar variation 2068179 (VCV002068179.7), dbSNP rs921612571, ClinGen allele CA144886508.
Genomic context (GRCh38, chr6:112,129,900, plus strand): 5'-AATCATGCAGATTCATTAATAATAAAAATATTATACCTGGTAAAGTAGGCATTACTTATG[C>A]AGCCAGTGAAATTAGCATACTGAGCACTGATTGGTGAGCCACCGAAGTAAAACTTCTTTT-3'
Protein context (NP_001098676.2, residues 1360-1380): ISAQYANFTG[Cys1370Phe]ISNAYFTRVD